The following is an entry in ClinVar:

NM_014244.5(ADAMTS2):c.1270C>T (p.Arg424Cys)

Gene: ADAMTS2 (ADAM metallopeptidase with thrombospondin type 1 motif 2; minus strand). Cytogenetic location: 5q35.3.
Variant type: single nucleotide variant.
Coding change: c.1270C>T on transcript NM_014244.5 (MANE Select); coding-DNA position 1270, C replaced by T.
Protein change: p.Arg424Cys; replaces arginine 424 with cysteine.
Molecular consequence: missense variant.
Genome position (GRCh38, 1-based): chr5:179,154,161, G>A on the plus strand (C>T on the coding strand, the complement: ADAMTS2 is on the minus strand). VCF-style: chr5-179154161-G-A. GRCh37 (hg19) VCF-style: chr5-178581162-G-A.
Other names: c.1270C>T, p.Arg424Cys (NM_021599.4); c.1270C>T (NM_014244.4); short protein forms R424C.
Identifiers: ClinVar variation 1387222 (VCV001387222.4), dbSNP rs370919224, ClinGen allele CA3595976.

ClinVar aggregate classification (germline): Uncertain significance. Review status: criteria provided, multiple submitters, no conflicts (2 of 4 stars). 2 submissions from 2 submitters: Uncertain significance (2). Last evaluated 2025-05-14.

Conditions:
Inborn genetic diseases. Identifiers: MedGen C0950123, MeSH D030342.
Ehlers-Danlos syndrome, dermatosparaxis type. Also called: Dermatosparaxis; Ehlers-Danlos syndrome, type VII, autosomal recessive; EDS VIIC. Identifiers: Orphanet 1901, MedGen C2700425, MONDO:0009161, OMIM 225410.

Allele frequency attached by ClinVar (database versions not stated): gnomAD 0.00001; gnomAD exomes 0.00001; TOPMed 0.00002; ESP Exome Variant Server 0.00008.
gnomAD v4.1: 8 of 1,570,964 alleles (0.00051%); highest among the groups gnomAD compares: African/African-American, 0.0027%; no homozygotes.

Submissions (2):

Ambry Genetics
Classification: Uncertain significance for Inborn genetic diseases. Last evaluated: 2025-05-14. Review status: criteria provided, single submitter. Criteria: Ambry Variant Classification Scheme 2023. Collection method: clinical testing. Allele origin: germline.

Labcorp Genetics (formerly Invitae), Labcorp
Classification: Uncertain significance for Ehlers-Danlos syndrome, dermatosparaxis type. Last evaluated: 2022-08-23. Review status: criteria provided, single submitter. Criteria: Invitae Variant Classification Sherloc (09022015). Collection method: clinical testing. Allele origin: germline.
Comment: This sequence change replaces arginine, which is basic and polar, with cysteine, which is neutral and slightly polar, at codon 424 of the ADAMTS2 protein (p.Arg424Cys). The frequency data for this variant in the population databases is considered unreliable, as metrics indicate poor data quality at this position in the gnomAD database. This variant has not been reported in the literature in individuals affected with ADAMTS2-related conditions. ClinVar contains an entry for this variant (Variation ID: 1387222). Algorithms developed to predict the effect of missense changes on protein structure and function (SIFT, PolyPhen-2, Align-GVGD) all suggest that this variant is likely to be disruptive. In summary, the available evidence is currently insufficient to determine the role of this variant in disease. Therefore, it has been classified as a Variant of Uncertain Significance.